The following is an entry in ClinVar:

ClinVar aggregate classification (germline): Likely benign. Review status: criteria provided, single submitter (1 of 4 stars). 2 submissions from 2 submitters: Likely benign (1). 1 of the submissions does not count toward it. Last evaluated 2025-04-14.

Conditions:
SEMA3A-related disorder. Also called: SEMA3A-related condition.

Allele frequency attached by ClinVar (database versions not stated): gnomAD exomes 0.00011 and 0.00030; ExAC 0.00040; gnomAD 0.00121 and 0.00130; ESP Exome Variant Server 0.00131; TOPMed 0.00136; 1000 Genomes Project 30x 0.00187; 1000 Genomes Project 0.00220.
gnomAD v4.1: 350 of 1,596,770 alleles (0.022%); highest among the groups gnomAD compares: African/African-American, 0.43%; 1 homozygote.

Submissions (2):

Labcorp Genetics (formerly Invitae), Labcorp
Classification: Likely benign. Last evaluated: 2025-04-14. Review status: criteria provided, single submitter. Criteria: Invitae Variant Classification Sherloc (09022015). Collection method: clinical testing. Allele origin: germline.

PreventionGenetics, part of Exact Sciences
Classification: Likely benign for SEMA3A-related condition. Last evaluated: 2021-03-02. Review status: no assertion criteria provided. Collection method: clinical testing. Allele origin: germline. Not counted in ClinVar's aggregate classification.
Comment: This variant is classified as likely benign based on ACMG/AMP sequence variant interpretation guidelines (Richards et al. 2015 PMID: 25741868, with internal and published modifications).

NM_006080.3(SEMA3A):c.1026G>A (p.Met342Ile)

Gene: SEMA3A (semaphorin 3A; minus strand). Cytogenetic location: 7q21.11.
Variant type: single nucleotide variant.
Coding change: c.1026G>A on transcript NM_006080.3 (MANE Select); coding-DNA position 1026, G replaced by A.
Protein change: p.Met342Ile; replaces methionine 342 with isoleucine.
Molecular consequence: missense variant.
Genome position (GRCh38, 1-based): chr7:84,007,467, C>T on the plus strand (G>A on the coding strand, the complement: SEMA3A is on the minus strand). VCF-style: chr7-84007467-C-T. GRCh37 (hg19) VCF-style: chr7-83636783-C-T.
Other names: short protein forms M342I.
Identifiers: ClinVar variation 712660 (VCV000712660.7), dbSNP rs142186928, ClinGen allele CA4322856.